The following is an entry in ClinVar:

ClinVar aggregate classification (germline): Uncertain significance (1 of 4 stars; one submission).

Submission:

Labcorp Genetics (formerly Invitae), Labcorp
Classification: Uncertain significance. Last evaluated: 2025-06-11. Review status: criteria provided, single submitter. Criteria: Invitae Variant Classification Sherloc (09022015). Collection method: clinical testing. Allele origin: germline.
Comment: This sequence change replaces arginine, which is basic and polar, with glutamine, which is neutral and polar, at codon 357 of the CREB3L3 protein (p.Arg357Gln). This variant is present in population databases (rs150995602, gnomAD 0.01%). This missense change has been observed in individual(s) with clinical features of dyslipidemia (PMID: 36325899). ClinVar contains an entry for this variant (Variation ID: 3671899). An algorithm developed to predict the effect of missense changes on protein structure and function (PolyPhen-2) suggests that this variant is likely to be disruptive. In summary, the available evidence is currently insufficient to determine the role of this variant in disease. Therefore, it has been classified as a Variant of Uncertain Significance.

Literature cited by the submitters: PubMed 36325899.

NM_032607.3(CREB3L3):c.1070G>A (p.Arg357Gln)

Gene: CREB3L3 (cAMP responsive element binding protein 3 like 3; plus strand). Cytogenetic location: 19p13.3.
Variant type: single nucleotide variant.
Coding change: c.1070G>A on transcript NM_032607.3 (MANE Select); coding-DNA position 1070, G replaced by A.
Protein change: p.Arg357Gln; replaces arginine 357 with glutamine.
Molecular consequence: missense variant. On other transcripts: synonymous variant (1).
Genome position (GRCh38, 1-based): chr19:4,171,477, G>A. VCF-style: chr19-4171477-G-A. GRCh37 (hg19) VCF-style: chr19-4171474-G-A.
Other names: c.1067G>A, p.Arg356Gln (NM_001271995.2); c.1064G>A, p.Arg355Gln (NM_001271996.2); c.963G>A, p.Thr321= (NM_001271997.2); short protein forms R355Q, R356Q, R357Q.
Identifiers: ClinVar variation 3671899 (VCV003671899.2).